The following is an entry in ClinVar:

ClinVar aggregate classification (germline): Likely pathogenic. Review status: criteria provided, single submitter (1 of 4 stars). 2 submissions from 2 submitters: Likely pathogenic (1). 1 of the submissions does not count toward it. Last evaluated 2026-06-29.

Conditions:
Inborn genetic diseases. Identifiers: MedGen C0950123, MeSH D030342.
Autosomal recessive congenital ichthyosis 2 (ARCI2). Identifiers: Orphanet 281122, Orphanet 79394, MedGen C3888093, MONDO:0009439, OMIM 242100.

Submissions (2):

Ambry Genetics
Classification: Likely pathogenic for Inborn genetic diseases. Last evaluated: 2026-06-29. Review status: criteria provided, single submitter. Criteria: Ambry Variant Classification Scheme 2023. Collection method: clinical testing. Allele origin: germline.
Comment: The c.1336_1338delCTC (p.L446del) variant, located in exon 10 (coding exon 10) of the ALOX12B gene, results from an in-frame deletion of 3 nucleotides at positions c.1336 to c.1338. This results in the deletion of lysine residue at codon 446. This variant was not reported in population-based cohorts in the Genome Aggregation Database (gnomAD). This variant has been identified in the homozygous state and/or in conjunction with other ALOX12B variant(s) in individual(s) with features consistent with ALOX12B-related congenital ichthyosis (Hotz, 2021). This amino acid position is not well conserved in available vertebrate species. This variant is predicted to be deleterious by in silico analysis (Choi, 2012). Based on the available evidence, this alteration is classified as likely pathogenic.

Institute for Human Genetics, University Medical Center Freiburg
Classification: Pathogenic for Autosomal recessive congenital ichthyosis 2. Last evaluated: 2021-01-07. Review status: no assertion criteria provided. Collection method: clinical testing. Allele origin: unknown. Affected: yes. Not counted in ClinVar's aggregate classification.

Literature cited by the submitters: PubMed 33435499 (cited by Ambry Genetics).

NM_001139.3(ALOX12B):c.1333CTC[1] (p.Leu446del)

Gene: ALOX12B (arachidonate 12-lipoxygenase, 12R type; minus strand). Cytogenetic location: 17p13.1.
Variant type: Microsatellite.
Coding change: c.1333CTC[1] on transcript NM_001139.3 (MANE Select); one copy of the 3-base unit CTC starting at c.1333; the reference has two copies in a row; one copy, 3 bases deleted.
Protein change: p.Leu446del; deletes leucine 446.
Molecular consequence: inframe deletion.
Genome position (GRCh38, 1-based): chr17:8,076,681-8,076,683, GAG deleted on the plus strand (CTC on the coding strand, the reverse complement: ALOX12B is on the minus strand); deleting any 3 consecutive bases within chr17:8,076,681-8,076,686 gives the same sequence; the position shown is the placement nearest the transcript's 3' end. VCF-style (leftmost placement, unchanged base first): chr17-8076680-TGAG-T. GRCh37 (hg19) VCF-style: chr17-7979998-TGAG-T.
Other names: c.1336_1338delCTC (NM_001139.2); short protein forms L446del.
Identifiers: ClinVar variation 995479 (VCV000995479.3), dbSNP rs1977090006, ClinGen allele CA2246126773.